The following is an entry in ClinVar:

ClinVar aggregate classification (germline): Uncertain significance (1 of 4 stars; one submission).

gnomAD v4.1: 10 of 1,614,194 alleles (0.00062%); highest among the groups gnomAD compares: Non-Finnish European, 0.00068%; no homozygotes.

Submission:

Labcorp Genetics (formerly Invitae), Labcorp
Classification: Uncertain significance. Last evaluated: 2025-11-24. Review status: criteria provided, single submitter. Criteria: Invitae Variant Classification Sherloc (09022015). Collection method: clinical testing. Allele origin: germline.
Comment: This sequence change replaces isoleucine, which is neutral and non-polar, with threonine, which is neutral and polar, at codon 357 of the ANKH protein (p.Ile357Thr). This variant is present in population databases (rs746469455, gnomAD 0.0009%). This variant has not been reported in the literature in individuals affected with ANKH-related conditions. ClinVar contains an entry for this variant (Variation ID: 3610094). Invitae Evidence Modeling of protein sequence and biophysical properties (such as structural, functional, and spatial information, amino acid conservation, physicochemical variation, residue mobility, and thermodynamic stability) indicates that this missense variant is expected to disrupt ANKH protein function with a positive predictive value of 80%. In summary, the available evidence is currently insufficient to determine the role of this variant in disease. Therefore, it has been classified as a Variant of Uncertain Significance.

NM_054027.6(ANKH):c.1070T>C (p.Ile357Thr)

Gene: ANKH (ANKH inorganic pyrophosphate transport regulator; minus strand). Cytogenetic location: 5p15.2.
Variant type: single nucleotide variant.
Coding change: c.1070T>C on transcript NM_054027.6 (MANE Select); coding-DNA position 1070, T replaced by C.
Protein change: p.Ile357Thr; replaces isoleucine 357 with threonine.
Molecular consequence: missense variant.
Genome position (GRCh38, 1-based): chr5:14,716,777, A>G on the plus strand (T>C on the coding strand, the complement: ANKH is on the minus strand). VCF-style: chr5-14716777-A-G. GRCh37 (hg19) VCF-style: chr5-14716886-A-G.
Other names: short protein forms I357T.
Identifiers: ClinVar variation 3610094 (VCV003610094.2).